The following is an entry in ClinVar:

ClinVar aggregate classification (germline): Benign/Likely benign. Review status: criteria provided, multiple submitters, no conflicts (2 of 4 stars). 2 submissions from 2 submitters: Benign (1); Likely benign (1). Last evaluated 2025-03-20.

Conditions:
AHDC1-related disorder. Also called: AHDC1-related condition.

Allele frequency attached by ClinVar (database versions not stated): gnomAD 0.00003; gnomAD exomes 0.00003; TOPMed 0.00003; ExAC 0.00007; 1000 Genomes Project 30x 0.00031; 1000 Genomes Project 0.00040.
gnomAD v4.1: 47 of 1,604,420 alleles (0.0029%); highest among the groups gnomAD compares: East Asian, 0.036%; no homozygotes.

Submissions (2):

PreventionGenetics, part of Exact Sciences
Classification: Likely benign for AHDC1-related condition. Last evaluated: 2025-03-20. Review status: criteria provided, single submitter. Criteria: ACMG Guidelines, 2015. Collection method: clinical testing. Allele origin: germline.
Comment: This variant is classified as likely benign based on ACMG/AMP sequence variant interpretation guidelines (Richards et al. 2015 PMID: 25741868, with internal and published modifications).

Labcorp Genetics (formerly Invitae), Labcorp
Classification: Benign. Last evaluated: 2022-01-15. Review status: criteria provided, single submitter. Criteria: Invitae Variant Classification Sherloc (09022015). Collection method: clinical testing. Allele origin: germline.

NM_001371928.1(AHDC1):c.594C>T (p.Tyr198=)

Gene: AHDC1 (AT-hook DNA binding motif containing 1; minus strand). Cytogenetic location: 1p36.11.
Variant type: single nucleotide variant.
Coding change: c.594C>T on transcript NM_001371928.1 (MANE Select); coding-DNA position 594, C replaced by T.
Protein change: p.Tyr198=; no amino-acid change (tyrosine 198 retained).
Molecular consequence: synonymous variant.
Genome position (GRCh38, 1-based): chr1:27,551,522, G>A on the plus strand (C>T on the coding strand, the complement: AHDC1 is on the minus strand). VCF-style: chr1-27551522-G-A. GRCh37 (hg19) VCF-style: chr1-27878033-G-A.
Other names: c.594C>T, p.Tyr198= (NM_001029882.3).
Identifiers: ClinVar variation 1914162 (VCV001914162.6), dbSNP rs191744136, ClinGen allele CA716122.